The following is an entry in ClinVar:

ClinVar aggregate classification (germline): Uncertain significance (1 of 4 stars; one submission).

Conditions:
Pallister-Hall syndrome (PHS). Also called: HYPOTHALAMIC HAMARTOBLASTOMA, HYPOPITUITARISM, IMPERFORATE ANUS, AND POSTAXIAL POLYDACTYLY; GLI3-Related Pallister-Hall Syndrome. Identifiers: Orphanet 672, MedGen C0265220, MONDO:0007804, OMIM 146510.
Greig cephalopolysyndactyly syndrome (GCPS). Also called: POLYSYNDACTYLY WITH PECULIAR SKULL SHAPE; Greig syndrome; GLI3-Related Greig Cephalopolysyndactyly Syndrome. Identifiers: Orphanet 380, MedGen C0265306, MONDO:0008287, OMIM 175700.

Submission:

Labcorp Genetics (formerly Invitae), Labcorp
Classification: Uncertain significance for Pallister-Hall syndrome; Greig cephalopolysyndactyly syndrome. Last evaluated: 2023-05-31. Review status: criteria provided, single submitter. Criteria: Invitae Variant Classification Sherloc (09022015). Collection method: clinical testing. Allele origin: germline.
Comment: This variant has not been reported in the literature in individuals affected with GLI3-related conditions. In summary, the available evidence is currently insufficient to determine the role of this variant in disease. Therefore, it has been classified as a Variant of Uncertain Significance. Advanced modeling of protein sequence and biophysical properties (such as structural, functional, and spatial information, amino acid conservation, physicochemical variation, residue mobility, and thermodynamic stability) performed at Invitae indicates that this missense variant is expected to disrupt GLI3 protein function. This variant is not present in population databases (gnomAD no frequency). This sequence change replaces aspartic acid, which is acidic and polar, with histidine, which is basic and polar, at codon 962 of the GLI3 protein (p.Asp962His).

NM_000168.6(GLI3):c.2884G>C (p.Asp962His)

Gene: GLI3 (GLI family zinc finger 3; minus strand). Cytogenetic location: 7p14.1.
Variant type: single nucleotide variant.
Coding change: c.2884G>C on transcript NM_000168.6 (MANE Select); coding-DNA position 2884, G replaced by C.
Protein change: p.Asp962His; replaces aspartic acid 962 with histidine.
Molecular consequence: missense variant.
Genome position (GRCh38, 1-based): chr7:41,966,189, C>G on the plus strand (G>C on the coding strand, the complement: GLI3 is on the minus strand). VCF-style: chr7-41966189-C-G. GRCh37 (hg19) VCF-style: chr7-42005787-C-G.
Other names: short protein forms D962H.
Identifiers: ClinVar variation 2943681 (VCV002943681.3), dbSNP rs1390905808, ClinGen allele CA367320103.